The following is an entry in ClinVar:

NM_144596.4(TTC8):c.579+5G>A

Gene: TTC8 (tetratricopeptide repeat domain 8; plus strand). Cytogenetic location: 14q31.3.
Variant type: single nucleotide variant.
Coding change: c.579+5G>A on transcript NM_144596.4 (MANE Select); 5 bases into the intron after coding-DNA position 579, G replaced by A.
Molecular consequence: intron variant. On other transcripts: 5 prime UTR variant (1).
Genome position (GRCh38, 1-based): chr14:88,841,519, G>A. VCF-style: chr14-88841519-G-A. GRCh37 (hg19) VCF-style: chr14-89307863-G-A.
Other names: c.-9G>A (NM_001288782.1); c.549+5G>A (NM_001288781.1, NM_198309.3, NM_001366535.2); c.-199+323G>A (NM_001288783.1); c.459+323G>A (NM_198310.3, NM_001366536.2).
Identifiers: ClinVar variation 1066143 (VCV001066143.9), dbSNP rs2140977987, ClinGen allele CA2499222778.
Genomic context (GRCh38, chr14:88,841,519, plus strand): 5'-TAAATTTATCTAGGCTGAATTTAACAAAGTATTCCCAGAAACCTAAGTTGGCAAAGGTAT[G>A]TACTTAAAATGATTTTGAGTTATGAAGTAATATTACACGTATGATGATAATGACAAATTA-3'

ClinVar aggregate classification (germline): Likely pathogenic (1 of 4 stars; one submission).

Conditions:
Bardet-Biedl syndrome (BBS). Identifiers: Orphanet 110, MedGen C0752166, MONDO:0015229.

Allele frequency attached by ClinVar (database versions not stated): gnomAD exomes below 0.00001.
gnomAD v4.1: 3 of 1,605,440 alleles (0.00019%); highest among the groups gnomAD compares: Non-Finnish European, 0.00026%; no homozygotes.

Submission:

Labcorp Genetics (formerly Invitae), Labcorp
Classification: Likely pathogenic for Bardet-Biedl syndrome. Last evaluated: 2018-03-27. Review status: criteria provided, single submitter. Criteria: Invitae Variant Classification Sherloc (09022015). Collection method: clinical testing. Allele origin: germline.
Comment: In summary, the currently available evidence indicates that the variant is pathogenic, but additional data are needed to prove that conclusively. Therefore, this variant has been classified as Likely Pathogenic. Nucleotide substitutions within the consensus splice site are a relatively common cause of aberrant splicing (PMID: 17576681, 9536098). Algorithms developed to predict the effect of sequence changes on RNA splicing suggest that this variant may disrupt the consensus splice site, but this prediction has not been confirmed by published transcriptional studies. This finding is consistent with autosomal recessive inheritance, and suggests that this variant contributes to disease. This variant is not present in population databases (ExAC no frequency). This sequence change falls in intron 6 of the TTC8 gene. It does not directly change the encoded amino acid sequence of the TTC8 protein, but it affects a nucleotide within the consensus splice site of the intron.

Literature cited by the submitters: PubMed 17576681; PubMed 9536098.